The following is an entry in ClinVar:

NM_032043.3(BRIP1):c.627+1G>T

Gene: BRIP1 (BRCA1 interacting DNA helicase 1; minus strand). Cytogenetic location: 17q23.2.
Variant type: single nucleotide variant.
Coding change: c.627+1G>T on transcript NM_032043.3 (MANE Select); the canonical splice donor site of the intron after coding-DNA position 627, G replaced by T.
Molecular consequence: splice donor variant.
Genome position (GRCh38, 1-based): chr17:61,847,100, C>A on the plus strand (G>T on the coding strand, the complement: BRIP1 is on the minus strand). VCF-style: chr17-61847100-C-A. GRCh37 (hg19) VCF-style: chr17-59924461-C-A.
Identifiers: ClinVar variation 826285 (VCV000826285.10), dbSNP rs587780833, ClinGen allele CA400482777.

ClinVar aggregate classification (germline): Likely pathogenic. Review status: criteria provided, multiple submitters, no conflicts (2 of 4 stars). 3 submissions from 3 submitters: Likely pathogenic (3). Last evaluated 2025-07-22.

Conditions:
Hereditary cancer-predisposing syndrome. Also called: Neoplastic Syndromes, Hereditary; Hereditary Cancer Syndrome; Hereditary neoplastic syndrome; Tumor predisposition. Identifiers: Orphanet 140162, MedGen C0027672, MeSH D009386, MONDO:0015356.
Fanconi anemia complementation group J. Also called: BRIP1-Related Fanconi Anemia. Identifiers: Orphanet 84, MedGen C1836860, MONDO:0012187, OMIM 609054.
Familial cancer of breast. Also called: hereditary breast carcinoma; BREAST CANCER, FAMILIAL; Hereditary breast cancer. Identifiers: Orphanet 227535, MedGen C0346153, MONDO:0016419, OMIM 114480. Disease mechanism: loss of function.

Submissions (3):

Ambry Genetics
Classification: Likely pathogenic for Hereditary cancer-predisposing syndrome. Last evaluated: 2025-07-22. Review status: criteria provided, single submitter. Criteria: Ambry Variant Classification Scheme 2023. Collection method: clinical testing. Allele origin: germline.
Comment: The c.627+1G>T intronic variant results from a G to T substitution one nucleotide after coding exon 5 of the BRIP1 gene. Alterations that disrupt the canonical splice site are expected to result in aberrant splicing. In silico splice site analysis predicts that this alteration will weaken the native splice donor site. A resulting transcript is predicted to be in-frame and is not expected to trigger nonsense-mediated mRNAdecay; although, direct evidence is unavailable. However, the region predicted to be impacted is critical for protein function (Ambry internal data). This variant is considered to be rare based on population cohorts in the Genome Aggregation Database (gnomAD). This nucleotide position is well conserved in available vertebrate species. Based on the majority of available evidence to date, this variant is likely to be pathogenic.

Labcorp Genetics (formerly Invitae), Labcorp
Classification: Likely pathogenic for Familial cancer of breast; Fanconi anemia complementation group J. Last evaluated: 2024-09-12. Review status: criteria provided, single submitter. Criteria: Invitae Variant Classification Sherloc (09022015). Collection method: clinical testing. Allele origin: germline.
Comment: This sequence change affects a donor splice site in intron 6 of the BRIP1 gene. RNA analysis indicates that disruption of this splice site induces altered splicing and may result in an absent or altered protein product. This variant is not present in population databases (gnomAD no frequency). Disruption of this splice site has been observed in individual(s) with breast and/or ovarian cancer (PMID: 26270727, 26681312, 32091409). ClinVar contains an entry for this variant (Variation ID: 826285). Studies have shown that disruption of this splice site results in skipping of exons 5-6, and produces a non-functional protein and/or introduces a premature termination codon (internal data). In summary, the currently available evidence indicates that the variant is pathogenic, but additional data are needed to prove that conclusively. Therefore, this variant has been classified as Likely Pathogenic.

GeneDx
Classification: Likely pathogenic. Last evaluated: 2020-12-23. Review status: criteria provided, single submitter. Criteria: GeneDx Variant Classification Process June 2021. Collection method: clinical testing. Allele origin: germline. Affected: yes.
Comment: Canonical splice site variant predicted to result in an in-frame deletion of exon 6, which contains some residues within the nuclear localization signal, although in the absence of functional evidence the actual effect of this sequence change is unknown (Cantor 2001).; Not observed in large population cohorts (Lek et al., 2016); Has not been previously published as pathogenic or benign to our knowledge

Literature cited by the submitters: PubMed 26270727 (cited by Labcorp Genetics (formerly Invitae), Labcorp); PubMed 26681312 (cited by Labcorp Genetics (formerly Invitae), Labcorp); PubMed 32091409 (cited by Labcorp Genetics (formerly Invitae), Labcorp).